The following is an entry in ClinVar:

ClinVar aggregate classification (germline): Uncertain significance. Review status: criteria provided, multiple submitters, no conflicts (2 of 4 stars). 2 submissions from 2 submitters: Uncertain significance (2). Last evaluated 2025-09-10.

Allele frequency attached by ClinVar (database versions not stated): gnomAD 0.00005; TOPMed 0.00005; ExAC 0.00013; 1000 Genomes Project 30x 0.00031; 1000 Genomes Project 0.00040.
gnomAD v4.1: 21 of 1,614,180 alleles (0.0013%); highest among the groups gnomAD compares: East Asian, 0.045%; no homozygotes.

Submissions (3):

Labcorp Genetics (formerly Invitae), Labcorp
Classification: Uncertain significance. Last evaluated: 2025-09-10. Review status: criteria provided, single submitter. Criteria: Invitae Variant Classification Sherloc (09022015). Collection method: clinical testing. Allele origin: germline.
Comment: This sequence change replaces leucine, which is neutral and non-polar, with valine, which is neutral and non-polar, at codon 450 of the NPAT protein (p.Leu450Val). This variant is present in population databases (rs190316520, gnomAD 0.1%), and has an allele count higher than expected for a pathogenic variant. This variant has not been reported in the literature in individuals affected with NPAT-related conditions. ClinVar contains an entry for this variant (Variation ID: 1770534). An algorithm developed to predict the effect of missense changes on protein structure and function (PolyPhen-2) suggests that this variant is likely to be disruptive. In summary, the available evidence is currently insufficient to determine the role of this variant in disease. Therefore, it has been classified as a Variant of Uncertain Significance.

Ambry Genetics
Classification: Uncertain significance. Last evaluated: 2023-08-26. Review status: criteria provided, single submitter. Criteria: Ambry Variant Classification Scheme 2023. Collection method: clinical testing. Allele origin: germline.
Comment: The p.L450V variant (also known as c.1348T>G), located in coding exon 13 of the NPAT gene, results from a T to G substitution at nucleotide position 1348. The leucine at codon 450 is replaced by valine, an amino acid with highly similar properties. This amino acid position is conserved. In addition, this alteration is predicted to be tolerated by in silico analysis. Since supporting evidence is limited at this time, the clinical significance of this alteration remains unclear.

Dr. Peter K. Rogan Lab, Western University
No classification provided (evidence only). Condition: Gastric cancer. Review status: no classification provided. Collection method: in vitro. Allele origin: not applicable. Functional consequence: retained intron. Not counted in ClinVar's aggregate classification.

NM_002519.3(NPAT):c.1348T>G (p.Leu450Val)

Gene: NPAT (nuclear protein, coactivator of histone transcription; minus strand). Cytogenetic location: 11q22.3.
Variant type: single nucleotide variant.
Coding change: c.1348T>G on transcript NM_002519.3 (MANE Select); coding-DNA position 1348, T replaced by G.
Protein change: p.Leu450Val; replaces leucine 450 with valine.
Molecular consequence: missense variant.
Genome position (GRCh38, 1-based): chr11:108,173,636, A>C on the plus strand (T>G on the coding strand, the complement: NPAT is on the minus strand). VCF-style: chr11-108173636-A-C. GRCh37 (hg19) VCF-style: chr11-108044363-A-C.
Other names: c.1348T>G, p.Leu450Val (NM_001321307.1); short protein forms L450V.
Identifiers: ClinVar variation 1770534 (VCV001770534.6), dbSNP rs190316520, ClinGen allele CA6264011.
Genomic context (GRCh38, chr11:108,173,636, plus strand): 5'-ATTCAGCACAATGTGGATTACATTCAGCATTAGAATTCCCTCTTTGGTTAAAGTCATTCA[A>C]ATTAGGCACGGACTCAAAGGTAATGTCAATGTCACACTTCTGTTCAGTGGGTACAGCTGT-3'
Protein context (NP_002510.2, residues 440-460): IDITFESVPN[Leu450Val]NDFNQRGNSN